The following is an entry in ClinVar:

NM_006031.6(PCNT):c.8078C>T (p.Ser2693Phe)

Gene: PCNT (pericentrin; plus strand). Cytogenetic location: 21q22.3.
Variant type: single nucleotide variant.
Coding change: c.8078C>T on transcript NM_006031.6 (MANE Select); coding-DNA position 8078, C replaced by T.
Protein change: p.Ser2693Phe; replaces serine 2693 with phenylalanine.
Molecular consequence: missense variant.
Genome position (GRCh38, 1-based): chr21:46,431,542, C>T. VCF-style: chr21-46431542-C-T. GRCh37 (hg19) VCF-style: chr21-47851456-C-T.
Other names: c.7724C>T, p.Ser2575Phe (NM_001315529.2); short protein forms S2575F, S2693F.
Identifiers: ClinVar variation 3348481 (VCV003348481.1).

ClinVar aggregate classification (germline): Uncertain significance (0 of 4 stars; one submission).

Conditions:
PCNT-related disorder. Also called: PCNT-related condition.

gnomAD v4.1: 4 of 1,614,070 alleles (0.00025%); highest among the groups gnomAD compares: Non-Finnish European, 0.00034%; no homozygotes.

Submission:

PreventionGenetics, part of Exact Sciences
Classification: Uncertain significance for PCNT-related condition. Last evaluated: 2024-02-16. Review status: no assertion criteria provided. Collection method: clinical testing. Allele origin: germline.
Comment: The PCNT c.8078C>T variant is predicted to result in the amino acid substitution p.Ser2693Phe. To our knowledge, this variant has not been reported in the literature or in a large population database, indicating this variant is rare. At this time, the clinical significance of this variant is uncertain due to the absence of conclusive functional and genetic evidence.